The following is an entry in ClinVar:

ClinVar aggregate classification (germline): Uncertain significance. Review status: criteria provided, multiple submitters, no conflicts (2 of 4 stars). 2 submissions from 2 submitters: Uncertain significance (2). Last evaluated 2024-11-20.

Conditions:
Epileptic encephalopathy. Identifiers: MedGen C0543888, HP:0200134.

Allele frequency attached by ClinVar (database versions not stated): gnomAD exomes 0.00001 and 0.00004; ExAC 0.00003; gnomAD 0.00005; TOPMed 0.00005; ESP Exome Variant Server 0.00008; 1000 Genomes Project 30x 0.00016; 1000 Genomes Project 0.00020.
gnomAD v4.1: 27 of 1,612,872 alleles (0.0017%); highest among the groups gnomAD compares: African/African-American, 0.021%; no homozygotes.

Submissions (2):

Ambry Genetics
Classification: Uncertain significance. Last evaluated: 2024-11-20. Review status: criteria provided, single submitter. Criteria: Ambry Variant Classification Scheme 2023. Collection method: clinical testing. Allele origin: germline.

Labcorp Genetics (formerly Invitae), Labcorp
Classification: Uncertain significance for Epileptic encephalopathy. Last evaluated: 2023-10-17. Review status: criteria provided, single submitter. Criteria: Invitae Variant Classification Sherloc (09022015). Collection method: clinical testing. Allele origin: germline.
Comment: This sequence change replaces arginine, which is basic and polar, with cysteine, which is neutral and slightly polar, at codon 522 of the FASN protein (p.Arg522Cys). The frequency data for this variant in the population databases is considered unreliable, as metrics indicate poor data quality at this position in the gnomAD database. This variant has not been reported in the literature in individuals affected with FASN-related conditions. ClinVar contains an entry for this variant (Variation ID: 1007674). An algorithm developed to predict the effect of missense changes on protein structure and function (PolyPhen-2) suggests that this variant is likely to be disruptive. Algorithms developed to predict the effect of sequence changes on RNA splicing suggest that this variant may create or strengthen a splice site. In summary, the available evidence is currently insufficient to determine the role of this variant in disease. Therefore, it has been classified as a Variant of Uncertain Significance.

NM_004104.5(FASN):c.1564C>T (p.Arg522Cys)

Gene: FASN (fatty acid synthase; minus strand). Cytogenetic location: 17q25.3.
Variant type: single nucleotide variant.
Coding change: c.1564C>T on transcript NM_004104.5 (MANE Select); coding-DNA position 1564, C replaced by T.
Protein change: p.Arg522Cys; replaces arginine 522 with cysteine.
Molecular consequence: missense variant.
Genome position (GRCh38, 1-based): chr17:82,090,998, G>A on the plus strand (C>T on the coding strand, the complement: FASN is on the minus strand). VCF-style: chr17-82090998-G-A. GRCh37 (hg19) VCF-style: chr17-80048874-G-A.
Other names: c.1564C>T (NM_004104.4); short protein forms R522C.
Identifiers: ClinVar variation 1007674 (VCV001007674.10), dbSNP rs368896751, ClinGen allele CA8853109.